The following is an entry in ClinVar:

NM_003344.4(UBE2H):c.444C>T (p.Tyr148=)

Gene: UBE2H (ubiquitin conjugating enzyme E2 H; minus strand). Cytogenetic location: 7q32.2.
Variant type: single nucleotide variant.
Coding change: c.444C>T on transcript NM_003344.4 (MANE Select); coding-DNA position 444, C replaced by T.
Protein change: p.Tyr148=; no amino-acid change (tyrosine 148 retained).
Molecular consequence: synonymous variant.
Genome position (GRCh38, 1-based): chr7:129,835,045, G>A on the plus strand (C>T on the coding strand, the complement: UBE2H is on the minus strand). VCF-style: chr7-129835045-G-A. GRCh37 (hg19) VCF-style: chr7-129474885-G-A.
Other names: c.234C>T, p.Tyr78= (NM_001202498.2); c.351C>T, p.Tyr117= (NM_182697.3).
Identifiers: ClinVar variation 3058312 (VCV003058312.2), dbSNP rs375884538, ClinGen allele CA4481459.
Genomic context (GRCh38, chr7:129,835,045, plus strand): 5'-GCTCTCCGATGAGCTGTCCCCGGTACCCTCTTCCTGTTCTTTCAGCGCCTCCTCCGTGGC[G>A]TATTTCTGGATGTACTCTGCACGGGGTGGGAGAAAGACAACAAGGGCAGTGAGTGGGCAG-3'
Protein context (NP_003335.1, residues 138-158): KQKIKEYIQK[Tyr148=]ATEEALKEQE

ClinVar aggregate classification (germline): Likely benign (0 of 4 stars; one submission).

Conditions:
UBE2H-related disorder. Also called: UBE2H-related condition.

Allele frequency attached by ClinVar (database versions not stated): ExAC 0.00004; ESP Exome Variant Server 0.00008; gnomAD 0.00009; TOPMed 0.00012; gnomAD exomes 0.00013.
gnomAD v4.1: 195 of 1,613,896 alleles (0.012%); highest among the groups gnomAD compares: Middle Eastern, 0.049%; no homozygotes.

Submission:

PreventionGenetics, part of Exact Sciences
Classification: Likely benign for UBE2H-related condition. Last evaluated: 2019-02-28. Review status: no assertion criteria provided. Collection method: clinical testing. Allele origin: germline.
Comment: This variant is classified as likely benign based on ACMG/AMP sequence variant interpretation guidelines (Richards et al. 2015 PMID: 25741868, with internal and published modifications).